The following is an entry in ClinVar:

ClinVar aggregate classification (germline): Uncertain significance (1 of 4 stars; one submission).

Conditions:
Hereditary diffuse gastric adenocarcinoma (HDGC). Also called: DIFFUSE GASTRIC AND LOBULAR BREAST CANCER SYNDROME. Identifiers: Orphanet 26106, MedGen C1708349, MONDO:0007648, OMIM 137215.

Submission:

Labcorp Genetics (formerly Invitae), Labcorp
Classification: Uncertain significance for Hereditary diffuse gastric adenocarcinoma. Last evaluated: 2023-02-08. Review status: criteria provided, single submitter. Criteria: Invitae Variant Classification Sherloc (09022015). Collection method: clinical testing. Allele origin: germline.
Comment: In summary, the available evidence is currently insufficient to determine the role of this variant in disease. Therefore, it has been classified as a Variant of Uncertain Significance. Algorithms developed to predict the effect of missense changes on protein structure and function output the following: SIFT: "Deleterious"; PolyPhen-2: "Benign"; Align-GVGD: "Class C0". The phenylalanine amino acid residue is found in multiple mammalian species, which suggests that this missense change does not adversely affect protein function. This variant has not been reported in the literature in individuals affected with CDH1-related conditions. This variant is not present in population databases (gnomAD no frequency). This sequence change replaces leucine, which is neutral and non-polar, with phenylalanine, which is neutral and non-polar, at codon 652 of the CDH1 protein (p.Leu652Phe).

NM_004360.5(CDH1):c.1956G>C (p.Leu652Phe)

Gene: CDH1 (cadherin 1; plus strand). Cytogenetic location: 16q22.1.
Variant type: single nucleotide variant.
Coding change: c.1956G>C on transcript NM_004360.5 (MANE Select); coding-DNA position 1956, G replaced by C.
Protein change: p.Leu652Phe; replaces leucine 652 with phenylalanine.
Molecular consequence: missense variant. On other transcripts: 5 prime UTR variant (1).
Genome position (GRCh38, 1-based): chr16:68,823,418, G>C. VCF-style: chr16-68823418-G-C. GRCh37 (hg19) VCF-style: chr16-68857321-G-C.
Other names: c.1773G>C, p.Leu591Phe (NM_001317184.2); c.408G>C, p.Leu136Phe (NM_001317185.2); c.-10G>C (NM_001317186.2); short protein forms L136F, L652F, L591F.
Identifiers: ClinVar variation 2835240 (VCV002835240.3), dbSNP rs2152139265, ClinGen allele CA396467537.